The following is an entry in ClinVar:

NM_201589.4(MAFA):c.867C>G (p.Leu289=)

Gene: MAFA (MAF bZIP transcription factor A; minus strand). Cytogenetic location: 8q24.3.
Variant type: single nucleotide variant.
Coding change: c.867C>G on transcript NM_201589.4 (MANE Select); coding-DNA position 867, C replaced by G.
Protein change: p.Leu289=; no amino-acid change (leucine 289 retained).
Molecular consequence: synonymous variant.
Genome position (GRCh38, 1-based): chr8:143,429,540, G>C on the plus strand (C>G on the coding strand, the complement: MAFA is on the minus strand). VCF-style: chr8-143429540-G-C. GRCh37 (hg19) VCF-style: chr8-144511710-G-C.
Identifiers: ClinVar variation 3358261 (VCV003358261.1).

ClinVar aggregate classification (germline): Likely benign (0 of 4 stars; one submission).

Conditions:
MAFA-related disorder. Also called: MAFA-related condition.

Submission:

PreventionGenetics, part of Exact Sciences
Classification: Likely benign for MAFA-related condition. Last evaluated: 2024-05-14. Review status: no assertion criteria provided. Collection method: clinical testing. Allele origin: germline.
Comment: This variant is classified as likely benign based on ACMG/AMP sequence variant interpretation guidelines (Richards et al. 2015 PMID: 25741868, with internal and published modifications).